The following is an entry in ClinVar:

ClinVar aggregate classification (germline): Uncertain significance (1 of 4 stars; one submission).

Conditions:
Hereditary pancreatitis (PCTT). Also called: Hereditary chronic pancreatitis; PRSS1-Related Hereditary Pancreatitis. Identifiers: Orphanet 676, MedGen C0238339, MONDO:0008185, OMIM 167800.

Submission:

Ambry Genetics
Classification: Uncertain significance for Hereditary pancreatitis. Last evaluated: 2025-07-07. Review status: criteria provided, single submitter. Criteria: Ambry Variant Classification Scheme 2023. Collection method: clinical testing. Allele origin: germline.
Comment: The p.N281D variant (also known as c.841A>G), located in coding exon 8 of the CPA1 gene, results from an A to G substitution at nucleotide position 841. The asparagine at codon 281 is replaced by aspartic acid, an amino acid with highly similar properties. This amino acid position is conserved. In addition, this alteration is predicted to be tolerated by in silico analysis. Based on the available evidence, the clinical significance of this variant remains unclear.

NM_001868.4(CPA1):c.841A>G (p.Asn281Asp)

Gene: CPA1 (carboxypeptidase A1; plus strand). Cytogenetic location: 7q32.2.
Variant type: single nucleotide variant.
Coding change: c.841A>G on transcript NM_001868.4 (MANE Select); coding-DNA position 841, A replaced by G.
Protein change: p.Asn281Asp; replaces asparagine 281 with aspartic acid.
Molecular consequence: missense variant.
Genome position (GRCh38, 1-based): chr7:130,385,199, A>G. VCF-style: chr7-130385199-A-G. GRCh37 (hg19) VCF-style: chr7-130025040-A-G.
Other names: short protein forms N281D.
Identifiers: ClinVar variation 4233086 (VCV004233086.1).
Genomic context (GRCh38, chr7:130,385,199, plus strand): 5'-CCCACAGTGTCCGGAGCCAGCAGTAACCCCTGCTCGGAGACTTACCACGGCAAGTTTGCC[A>G]ATTCCGAAGTGGAGGTCAAGTCCATTGTAGACTTTGTGAAGGACCATGGGAACATCAAGG-3'
Protein context (NP_001859.1, residues 271-291): CSETYHGKFA[Asn281Asp]SEVEVKSIVD